The following is an entry in ClinVar:

ClinVar aggregate classification (germline): Uncertain significance (1 of 4 stars; one submission).

Submission:

Labcorp Genetics (formerly Invitae), Labcorp
Classification: Uncertain significance. Last evaluated: 2023-03-23. Review status: criteria provided, single submitter. Criteria: Invitae Variant Classification Sherloc (09022015). Collection method: clinical testing. Allele origin: germline.
Comment: In summary, the available evidence is currently insufficient to determine the role of this variant in disease. Therefore, it has been classified as a Variant of Uncertain Significance. Advanced modeling of protein sequence and biophysical properties (such as structural, functional, and spatial information, amino acid conservation, physicochemical variation, residue mobility, and thermodynamic stability) performed at Invitae indicates that this missense variant is expected to disrupt POLE protein function. This variant has not been reported in the literature in individuals affected with POLE-related conditions. This variant is not present in population databases (gnomAD no frequency). This sequence change replaces glycine, which is neutral and non-polar, with alanine, which is neutral and non-polar, at codon 1086 of the POLE protein (p.Gly1086Ala).

NM_006231.4(POLE):c.3257G>C (p.Gly1086Ala)

Gene: POLE (DNA polymerase epsilon, catalytic subunit; minus strand). Cytogenetic location: 12q24.33.
Variant type: single nucleotide variant.
Coding change: c.3257G>C on transcript NM_006231.4 (MANE Select); coding-DNA position 3257, G replaced by C.
Protein change: p.Gly1086Ala; replaces glycine 1086 with alanine.
Molecular consequence: missense variant.
Genome position (GRCh38, 1-based): chr12:132,659,313, C>G on the plus strand (G>C on the coding strand, the complement: POLE is on the minus strand). VCF-style: chr12-132659313-C-G. GRCh37 (hg19) VCF-style: chr12-133235899-C-G.
Other names: short protein forms G1086A.
Identifiers: ClinVar variation 3001861 (VCV003001861.3), dbSNP rs1060500778, ClinGen allele CA387390302.
Genomic context (GRCh38, chr12:132,659,313, plus strand): 5'-TGGGAGGAGCCCTCACCTCTCCGTGATGGGGGGAGCCCTCACCTCTCCGTGACAGGGGAG[C>G]CCTCGGGCTTGCGGGAGATGATGTAGCGGCAACTCAGCCCTGCATCCTTGACCATCTGGT-3'
Protein context (NP_006222.2, residues 1076-1096): CRYIISRKPE[Gly1086Ala]SPVTERAIPL